The following is an entry in ClinVar:

ClinVar aggregate classification (germline): Uncertain significance (1 of 4 stars; one submission).

Conditions:
Developmental and epileptic encephalopathy, 27 (DEE27). Also called: GRIN2B-Related Neurodevelopmental Disorder; Epileptic encephalopathy, early infantile, 27. Identifiers: Orphanet 3451, MedGen C4015316, MONDO:0014505, OMIM 616139.
Intellectual developmental disorder, autosomal dominant 6, with or without seizures. Also called: Intellectual disability, autosomal dominant 6; GRIN2B-related developmental delay, intellectual disability and autism spectrum disorder. Identifiers: Orphanet 589547, MedGen C3151411, MONDO:0013509, OMIM 613970.

Submission:

Labcorp Genetics (formerly Invitae), Labcorp
Classification: Uncertain significance for Developmental and epileptic encephalopathy, 27; Intellectual developmental disorder, autosomal dominant 6, with or without seizures. Last evaluated: 2021-06-24. Review status: criteria provided, single submitter. Criteria: Invitae Variant Classification Sherloc (09022015). Collection method: clinical testing. Allele origin: germline.
Comment: Advanced modeling of protein sequence and biophysical properties (such as structural, functional, and spatial information, amino acid conservation, physicochemical variation, residue mobility, and thermodynamic stability) performed at Invitae indicates that this missense variant is not expected to disrupt GRIN2B protein function. This variant has not been reported in the literature in individuals with GRIN2B-related conditions. This variant is not present in population databases (ExAC no frequency). This sequence change replaces lysine with threonine at codon 2 of the GRIN2B protein (p.Lys2Thr). The lysine residue is moderately conserved and there is a moderate physicochemical difference between lysine and threonine. In summary, the available evidence is currently insufficient to determine the role of this variant in disease. Therefore, it has been classified as a Variant of Uncertain Significance.

NM_000834.5(GRIN2B):c.5A>C (p.Lys2Thr)

Gene: GRIN2B (glutamate ionotropic receptor NMDA type subunit 2B; minus strand). Cytogenetic location: 12p13.1.
Variant type: single nucleotide variant.
Coding change: c.5A>C on transcript NM_000834.5 (MANE Select); coding-DNA position 5, A replaced by C.
Protein change: p.Lys2Thr; replaces lysine 2 with threonine.
Molecular consequence: missense variant.
Genome position (GRCh38, 1-based): chr12:13,866,204, T>G on the plus strand (A>C on the coding strand, the complement: GRIN2B is on the minus strand). VCF-style: chr12-13866204-T-G. GRCh37 (hg19) VCF-style: chr12-14019138-T-G.
Other names: short protein forms K2T.
Identifiers: ClinVar variation 1051631 (VCV001051631.9), dbSNP rs2136747631, ClinGen allele CA384055193.
Genomic context (GRCh38, chr12:13,866,204, plus strand): 5'-GACACGGCCAGGACGGCCAACACCAACCAGAACTTGGGAGAACAGCACTCCGCTCTGGGC[T>G]TCATCTTCAACTCGTCGACTCCCTGCAAACACAAAGAAAGAGCATGTTAAAATAGGATCT-3'
Protein context (NP_000825.2, residues 1-12): M[Lys2Thr]PRAECCSPKF